The following is an entry in ClinVar:

NC_000012.11:g.(?_58176585)_(58180965_?)del

Gene: TSFM (Ts translation elongation factor, mitochondrial; plus strand). Cytogenetic location: 12q14.1.
Variant type: Deletion.
Identifiers: ClinVar variation 3244363 (VCV003244363.1).

ClinVar aggregate classification (germline): Pathogenic (1 of 4 stars; one submission).

Submission:

Labcorp Genetics (formerly Invitae), Labcorp
Classification: Pathogenic. Last evaluated: 2022-12-31. Review status: criteria provided, single submitter. Criteria: Invitae Variant Classification Sherloc (09022015). Collection method: clinical testing. Allele origin: unknown.
Comment: For these reasons, this variant has been classified as Pathogenic. This variant has not been reported in the literature in individuals affected with TSFM-related conditions. This variant is a gross deletion of the genomic region encompassing exon(s) 1-4 of the TSFM gene, which includes the initiator codon. This deletion extends beyond the assayed region for this gene and therefore may encompass additional genes. It is expected to result in an absent or disrupted protein product. Loss-of-function variants in TSFM are known to be pathogenic (PMID: 17033963, 20435138, 25037205, 27677415).

Literature cited by the submitters: PubMed 17033963; PubMed 20435138; PubMed 25037205; PubMed 27677415.